The following is an entry in ClinVar:

ClinVar aggregate classification (germline): Uncertain significance (1 of 4 stars; one submission).

Submission:

Labcorp Genetics (formerly Invitae), Labcorp
Classification: Uncertain significance. Last evaluated: 2022-08-09. Review status: criteria provided, single submitter. Criteria: Invitae Variant Classification Sherloc (09022015). Collection method: clinical testing. Allele origin: germline.
Comment: This variant is present in population databases (no rsID available, gnomAD 0.006%). This sequence change falls in intron 4 of the SLC25A19 gene. It does not directly change the encoded amino acid sequence of the SLC25A19 protein. It affects a nucleotide within the consensus splice site. In summary, the available evidence is currently insufficient to determine the role of this variant in disease. Therefore, it has been classified as a Variant of Uncertain Significance. Variants that disrupt the consensus splice site are a relatively common cause of aberrant splicing (PMID: 17576681, 9536098). Algorithms developed to predict the effect of sequence changes on RNA splicing suggest that this variant may disrupt the consensus splice site. This variant has not been reported in the literature in individuals affected with SLC25A19-related conditions.

Literature cited by the submitters: PubMed 17576681; PubMed 9536098.

NM_001126121.2(SLC25A19):c.288+5del

Gene: SLC25A19 (solute carrier family 25 member 19; minus strand). Cytogenetic location: 17q25.1.
Variant type: Deletion.
Coding change: c.288+5del on transcript NM_001126121.2 (MANE Select); 5 bases into the intron after coding-DNA position 288, one base deleted (G; older notation c.288+5delG).
Molecular consequence: intron variant.
Genome position (GRCh38, 1-based): chr17:75,286,299, C deleted on the plus strand (G on the coding strand, the reverse complement: SLC25A19 is on the minus strand); the first of 2 consecutive C bases (chr17:75,286,299-75,286,300); deleting either gives the same sequence. VCF-style (leftmost placement, unchanged base first): chr17-75286298-AC-A. GRCh37 (hg19) VCF-style: chr17-73282379-AC-A.
Other names: c.288+5del (NM_001126122.2, NM_021734.5).
Identifiers: ClinVar variation 1903699 (VCV001903699.5), dbSNP rs1208196219, ClinGen allele CA627384402.